The following is an entry in ClinVar:

NM_000143.4(FH):c.458T>C (p.Val153Ala)

Gene: FH (fumarate hydratase; minus strand). Cytogenetic location: 1q43.
Variant type: single nucleotide variant.
Coding change: c.458T>C on transcript NM_000143.4 (MANE Select); coding-DNA position 458, T replaced by C.
Protein change: p.Val153Ala; replaces valine 153 with alanine.
Molecular consequence: missense variant.
Genome position (GRCh38, 1-based): chr1:241,512,064, A>G on the plus strand (T>C on the coding strand, the complement: FH is on the minus strand). VCF-style: chr1-241512064-A-G. GRCh37 (hg19) VCF-style: chr1-241675364-A-G.
Other names: short protein forms V153A.
Identifiers: ClinVar variation 1741709 (VCV001741709.3), dbSNP rs2527332677, ClinGen allele CA345440057.

ClinVar aggregate classification (germline): Uncertain significance (1 of 4 stars; one submission).

Conditions:
Hereditary cancer-predisposing syndrome. Also called: Neoplastic Syndromes, Hereditary; Tumor predisposition; Hereditary Cancer Syndrome; Hereditary neoplastic syndrome. Identifiers: Orphanet 140162, MedGen C0027672, MeSH D009386, MONDO:0015356.

Allele frequency attached by ClinVar (database versions not stated): gnomAD exomes below 0.00001.
gnomAD v4.1: 3 of 1,613,860 alleles (0.00019%); highest among the groups gnomAD compares: Non-Finnish European, 0.00025%; no homozygotes.

Submission:

Ambry Genetics
Classification: Uncertain significance for Hereditary cancer-predisposing syndrome. Last evaluated: 2026-06-08. Review status: criteria provided, single submitter. Criteria: Ambry Variant Classification Scheme 2023. Collection method: clinical testing. Allele origin: germline.
Comment: The p.V153A variant (also known as c.458T>C), located in coding exon 4 of the FH gene, results from a T to C substitution at nucleotide position 458. The valine at codon 153 is replaced by alanine, an amino acid with similar properties. This amino acid position is highly conserved in available vertebrate species. In addition, this alteration is predicted to be deleterious by in silico analysis. Since supporting evidence is limited at this time, the clinical significance of this alteration remains unclear.